The following is an entry in ClinVar:

NM_198525.3(KIF7):c.2495G>T (p.Arg832Leu)

Gene: KIF7 (kinesin family member 7; minus strand). Cytogenetic location: 15q26.1.
Variant type: single nucleotide variant.
Coding change: c.2495G>T on transcript NM_198525.3 (MANE Select); coding-DNA position 2495, G replaced by T.
Protein change: p.Arg832Leu; replaces arginine 832 with leucine.
Molecular consequence: missense variant.
Genome position (GRCh38, 1-based): chr15:89,633,783, C>A on the plus strand (G>T on the coding strand, the complement: KIF7 is on the minus strand). VCF-style: chr15-89633783-C-A. GRCh37 (hg19) VCF-style: chr15-90177014-C-A.
Other names: short protein forms R832L.
Identifiers: ClinVar variation 1309976 (VCV001309976.3), dbSNP rs371841682, ClinGen allele CA393759810.

ClinVar aggregate classification (germline): Uncertain significance (1 of 4 stars; one submission).

gnomAD v4.1: 7 of 1,611,814 alleles (0.00043%); highest among the groups gnomAD compares: Non-Finnish European, 0.00059%; no homozygotes.

Submission:

GeneDx
Classification: Uncertain significance. Last evaluated: 2026-07-31. Review status: criteria provided, single submitter. Criteria: GeneDx Variant Classification Process June 2021. Collection method: clinical testing. Allele origin: germline.
Comment: Not observed at significant frequency in large population cohorts (gnomAD); In silico analysis supports that this missense variant has a deleterious effect on protein structure/function; Has not been previously published as pathogenic or benign to our knowledge